The following is an entry in ClinVar:

NM_001433705.1(NLRP5):c.744C>T (p.Ile248=)

Genes: NLRP5 (NLR family pyrin domain containing 5; plus strand), LOC126862935 (BRD4-independent group 4 enhancer GRCh37_chr19:56537936-56539135; plus strand). Cytogenetic location: 19q13.43.
Variant type: single nucleotide variant.
Coding change: c.744C>T on transcript NM_001433705.1 (MANE Select); coding-DNA position 744, C replaced by T.
Protein change: p.Ile248=; no amino-acid change (isoleucine 248 retained).
Molecular consequence: synonymous variant.
Genome position (GRCh38, 1-based): chr19:56,027,130, C>T. VCF-style: chr19-56027130-C-T. GRCh37 (hg19) VCF-style: chr19-56538496-C-T.
Other names: NM_153447.4:c.897C>T.
Identifiers: ClinVar variation 734648 (VCV000734648.30), dbSNP rs45596339, ClinGen allele CA9685383.

ClinVar aggregate classification (germline): Benign/Likely benign. Review status: criteria provided, multiple submitters, no conflicts (2 of 4 stars). 5 submissions from 5 submitters: Benign (2); Likely benign (2). 1 of the submissions does not count toward it. Last evaluated 2024-10-17.

Conditions:
NLRP5-related disorder. Also called: NLRP5-related condition.

Allele frequency attached by ClinVar (database versions not stated): gnomAD exomes 0.00038; ESP Exome Variant Server 0.00063; TOPMed 0.00080; ExAC 0.00093; gnomAD 0.00108; 1000 Genomes Project 0.00280; 1000 Genomes Project 30x 0.00328.
gnomAD v4.1: 567 of 1,594,180 alleles (0.036%); highest among the groups gnomAD compares: African/African-American, 0.45%; 7 homozygotes.

Submissions (5):

Blueprint Genetics
Classification: Likely benign. Last evaluated: 2024-10-17. Review status: criteria provided, single submitter. Criteria: ACMG Guidelines, 2015. Collection method: clinical testing. Allele origin: germline.

CeGaT Center for Human Genetics Tuebingen
Classification: Likely benign. Last evaluated: 2024-06-01. Review status: criteria provided, single submitter. Criteria: CeGaT Center For Human Genetics Tuebingen Variant Classification Criteria Version 2. Collection method: clinical testing. Allele origin: germline. Affected: yes. Observed: 3 variant alleles.
Comment: NLRP5: BP4, BP7

Labcorp Genetics (formerly Invitae), Labcorp
Classification: Benign. Last evaluated: 2018-12-13. Review status: criteria provided, single submitter. Criteria: Invitae Variant Classification Sherloc (09022015). Collection method: clinical testing. Allele origin: germline.

Breakthrough Genomics
Classification: Benign. Review status: criteria provided, single submitter. Criteria: ACMG Guidelines, 2015. Collection method: not provided. Allele origin: germline. Inheritance: Unknown mechanism. Affected: yes.

PreventionGenetics, part of Exact Sciences
Classification: Likely benign for NLRP5-related condition. Last evaluated: 2019-03-12. Review status: no assertion criteria provided. Collection method: clinical testing. Allele origin: germline. Not counted in ClinVar's aggregate classification.
Comment: This variant is classified as likely benign based on ACMG/AMP sequence variant interpretation guidelines (Richards et al. 2015 PMID: 25741868, with internal and published modifications).